The following is an entry in ClinVar:

NM_000265.7(NCF1):c.247G>A (p.Gly83Arg)

Genes: NCF1 (neutrophil cytosolic factor 1; plus strand), LOC106029312 (Williams-Beuren syndrome medial block B recombination region; plus strand). Cytogenetic location: 7q11.23.
Variant type: single nucleotide variant.
Coding change: c.247G>A on transcript NM_000265.7 (MANE Select); coding-DNA position 247, G replaced by A.
Protein change: p.Gly83Arg; replaces glycine 83 with arginine.
Molecular consequence: missense variant.
Genome position (GRCh38, 1-based): chr7:74,779,274, G>A. VCF-style: chr7-74779274-G-A. GRCh37 (hg19) VCF-style: chr7-74193620-G-A.
Other names: p.Gly83Arg; c.247G>A (NM_000265.6); short protein forms G83R.
Identifiers: ClinVar variation 2657600 (VCV002657600.25), dbSNP rs139225348, ClinGen allele CA4298078.

ClinVar aggregate classification (germline): Benign. Review status: criteria provided, multiple submitters, no conflicts (2 of 4 stars). 2 submissions from 2 submitters: Benign (2). Last evaluated 2026-09-01.

Allele frequency attached by ClinVar (database versions not stated): 1000 Genomes Project 30x 0.00312; 1000 Genomes Project 0.00359; ESP Exome Variant Server 0.00866; gnomAD 0.00866; ExAC 0.00906; gnomAD exomes 0.01159.
gnomAD v4.1: 18,163 of 1,609,980 alleles (1.1%); highest among the groups gnomAD compares: Non-Finnish European, 1.3%; 150 homozygotes.

Submissions (2):

CeGaT Center for Human Genetics Tuebingen
Classification: Benign. Last evaluated: 2026-09-01. Review status: criteria provided, single submitter. Criteria: CeGaT Center For Human Genetics Tuebingen Variant Classification Criteria Version 2. Collection method: clinical testing. Allele origin: germline. Affected: yes. Observed: 30 variant alleles.
Comment: NCF1: BS1, BS2

Mayo Clinic Laboratories, Mayo Clinic
Classification: Benign. Last evaluated: 2025-09-02. Review status: criteria provided, single submitter. Criteria: ACMG Guidelines, 2015. Collection method: clinical testing. Allele origin: germline. Observed: 4 variant alleles.
Comment: BS1, BS2